The following is an entry in ClinVar:

ClinVar aggregate classification (germline): Likely benign. Review status: criteria provided, multiple submitters, no conflicts (2 of 4 stars). 2 submissions from 2 submitters: Likely benign (2). Last evaluated 2018-06-18.

Allele frequency attached by ClinVar (database versions not stated): 1000 Genomes Project 0.01098; 1000 Genomes Project 30x 0.01234; TOPMed 0.01560; gnomAD 0.01610 and 0.01620; gnomAD exomes 0.01772.
gnomAD v4.1: 15,070 of 859,966 alleles (1.8%); highest among the groups gnomAD compares: Middle Eastern, 5.3%; 187 homozygotes.

Submissions (2):

GeneDx
Classification: Likely benign. Last evaluated: 2018-06-18. Review status: criteria provided, single submitter. Criteria: GeneDx Variant Classification (06012015). Collection method: clinical testing. Allele origin: germline. Affected: yes.
Comment: This variant is considered likely benign or benign based on one or more of the following criteria: it is a conservative change, it occurs at a poorly conserved position in the protein, it is predicted to be benign by multiple in silico algorithms, and/or has population frequency not consistent with disease.

Breakthrough Genomics
Classification: Likely benign. Review status: criteria provided, single submitter. Criteria: ACMG Guidelines, 2015. Collection method: not provided. Allele origin: germline. Inheritance: Unknown mechanism. Affected: yes.

NM_002907.4(RECQL):c.949+76A>G

Gene: RECQL (RecQ like helicase; minus strand). Cytogenetic location: 12p12.1.
Variant type: single nucleotide variant.
Coding change: c.949+76A>G on transcript NM_002907.4 (MANE Select); 76 bases into the intron after coding-DNA position 949, A replaced by G.
Molecular consequence: intron variant.
Genome position (GRCh38, 1-based): chr12:21,476,835, T>C on the plus strand (A>G on the coding strand, the complement: RECQL is on the minus strand). VCF-style: chr12-21476835-T-C. GRCh37 (hg19) VCF-style: chr12-21629769-T-C.
Other names: c.949+76A>G (NM_032941.3).
Identifiers: ClinVar variation 679741 (VCV000679741.2), dbSNP rs73082666, ClinGen allele CA13773099.
Genomic context (GRCh38, chr12:21,476,835, plus strand): 5'-ACGTATTTTCAAGTATCTTCTGCTATACATTAATTTTTTTTGGTGTTATTCAGTTATCAG[T>C]ATAATTATCAATATGATATGAAGTCACTTTTTGAAAGTTATCTCTGTCTCCAAAGTTGGT-3'